The following is an entry in ClinVar:

ClinVar aggregate classification (germline): Uncertain significance (1 of 4 stars; one submission).

Allele frequency attached by ClinVar (database versions not stated): gnomAD exomes below 0.00001; gnomAD 0.00001; TOPMed 0.00001.
gnomAD v4.1: 5 of 1,613,800 alleles (0.00031%); highest among the groups gnomAD compares: Admixed American, 0.0017%; no homozygotes.

Submission:

Labcorp Genetics (formerly Invitae), Labcorp
Classification: Uncertain significance. Last evaluated: 2022-09-06. Review status: criteria provided, single submitter. Criteria: Invitae Variant Classification Sherloc (09022015). Collection method: clinical testing. Allele origin: germline.
Comment: In summary, the available evidence is currently insufficient to determine the role of this variant in disease. Therefore, it has been classified as a Variant of Uncertain Significance. Advanced modeling of protein sequence and biophysical properties (such as structural, functional, and spatial information, amino acid conservation, physicochemical variation, residue mobility, and thermodynamic stability) performed at Invitae indicates that this missense variant is expected to disrupt CPLANE1 protein function. ClinVar contains an entry for this variant (Variation ID: 1403127). This variant has not been reported in the literature in individuals affected with CPLANE1-related conditions. This variant is present in population databases (no rsID available, gnomAD 0.003%). This sequence change replaces arginine, which is basic and polar, with glutamine, which is neutral and polar, at codon 2962 of the CPLANE1 protein (p.Arg2962Gln).

NM_001384732.1(CPLANE1):c.9047G>A (p.Arg3016Gln)

Gene: CPLANE1 (ciliogenesis and planar polarity effector complex subunit 1; minus strand). Cytogenetic location: 5p13.2.
Variant type: single nucleotide variant.
Coding change: c.9047G>A on transcript NM_001384732.1 (MANE Select); coding-DNA position 9047, G replaced by A.
Protein change: p.Arg3016Gln; replaces arginine 3016 with glutamine.
Molecular consequence: missense variant.
Genome position (GRCh38, 1-based): chr5:37,121,755, C>T on the plus strand (G>A on the coding strand, the complement: CPLANE1 is on the minus strand). VCF-style: chr5-37121755-C-T. GRCh37 (hg19) VCF-style: chr5-37121857-C-T.
Other names: c.8885G>A, p.Arg2962Gln (NM_023073.4); short protein forms R2962Q, R3016Q.
Identifiers: ClinVar variation 1403127 (VCV001403127.4), dbSNP rs1264659510, ClinGen allele CA359496066.